The following is an entry in ClinVar:

NM_004360.5(CDH1):c.1266del (p.Gln422fs)

Gene: CDH1 (cadherin 1; plus strand). Cytogenetic location: 16q22.1.
Variant type: Deletion.
Coding change: c.1266del on transcript NM_004360.5 (MANE Select); coding-DNA position 1266, one base deleted (A; older notation c.1266delA).
Protein change: p.Gln422fs; shifts the reading frame from glutamine 422.
Molecular consequence: frameshift variant. On other transcripts: 5 prime UTR variant (2), intron variant (1).
Genome position (GRCh38, 1-based): chr16:68,813,441, A deleted; the last of 2 consecutive A bases (chr16:68,813,440-68,813,441); deleting either gives the same sequence. VCF-style (leftmost placement, unchanged base first): chr16-68813439-CA-C. GRCh37 (hg19) VCF-style: chr16-68847342-CA-C.
Other names: c.-350del (NM_001317185.2); c.-554del (NM_001317186.2); c.1137+1178del (NM_001317184.2); short protein forms Q422fs.
Identifiers: ClinVar variation 2748792 (VCV002748792.3), dbSNP rs2543927001, ClinGen allele CA2697555908.

ClinVar aggregate classification (germline): Pathogenic (1 of 4 stars; one submission).

Conditions:
Hereditary diffuse gastric adenocarcinoma (HDGC). Also called: DIFFUSE GASTRIC AND LOBULAR BREAST CANCER SYNDROME. Identifiers: Orphanet 26106, MedGen C1708349, MONDO:0007648, OMIM 137215.

Submission:

Labcorp Genetics (formerly Invitae), Labcorp
Classification: Pathogenic for Hereditary diffuse gastric adenocarcinoma. Last evaluated: 2023-07-31. Review status: criteria provided, single submitter. Criteria: Invitae Variant Classification Sherloc (09022015). Collection method: clinical testing. Allele origin: germline.
Comment: This sequence change creates a premature translational stop signal (p.Gln422Hisfs*9) in the CDH1 gene. It is expected to result in an absent or disrupted protein product. Loss-of-function variants in CDH1 are known to be pathogenic (PMID: 15235021, 20373070). For these reasons, this variant has been classified as Pathogenic. This variant has not been reported in the literature in individuals affected with CDH1-related conditions. This variant is not present in population databases (gnomAD no frequency).

Literature cited by the submitters: PubMed 15235021; PubMed 20373070.